The following is an entry in ClinVar:

NM_004628.5(XPC):c.537-1G>C

Gene: XPC (XPC complex subunit, DNA damage recognition and repair factor; minus strand). Cytogenetic location: 3p25.1.
Variant type: single nucleotide variant.
Coding change: c.537-1G>C on transcript NM_004628.5 (MANE Select); the canonical splice acceptor site of the intron before coding-DNA position 537, G replaced by C.
Molecular consequence: splice acceptor variant.
Genome position (GRCh38, 1-based): chr3:14,167,254, C>G on the plus strand (G>C on the coding strand, the complement: XPC is on the minus strand). VCF-style: chr3-14167254-C-G. GRCh37 (hg19) VCF-style: chr3-14208754-C-G.
Other names: c.519-1G>C (NM_001354729.2); c.-43-1G>C (NM_001354726.2); c.537-1G>C (NM_001354730.2, NM_001354727.2).
Identifiers: ClinVar variation 557580 (VCV000557580.11), dbSNP rs1326646197, ClinGen allele CA351542430.

ClinVar aggregate classification (germline): Likely pathogenic. Review status: criteria provided, multiple submitters, no conflicts (2 of 4 stars). 3 submissions from 3 submitters: Likely pathogenic (2). 1 of the submissions does not count toward it. Last evaluated 2024-01-30.

Conditions:
Xeroderma pigmentosum, group C (XPC). Also called: XPC-Related Xeroderma Pigmentosum; Xeroderma pigmentosum, complementation group C; XERODERMA PIGMENTOSUM III; XP, GROUP C. Identifiers: Orphanet 910, MedGen C2752147, MONDO:0010211, OMIM 278720.

Allele frequency attached by ClinVar (database versions not stated): gnomAD exomes below 0.00001; TOPMed below 0.00001; gnomAD 0.00001.
gnomAD v4.1: 3 of 1,610,670 alleles (0.00019%); highest among the groups gnomAD compares: African/African-American, 0.0013%; no homozygotes.

Submissions (3):

Baylor Genetics
Classification: Likely pathogenic for Xeroderma pigmentosum, group C. Last evaluated: 2024-01-30. Review status: criteria provided, single submitter. Criteria: ACMG Guidelines, 2015. Collection method: clinical testing. Allele origin: unknown.

Labcorp Genetics (formerly Invitae), Labcorp
Classification: Likely pathogenic. Last evaluated: 2024-01-29. Review status: criteria provided, single submitter. Criteria: Invitae Variant Classification Sherloc (09022015). Collection method: clinical testing. Allele origin: germline.
Comment: This sequence change affects an acceptor splice site in intron 4 of the XPC gene. It is expected to disrupt RNA splicing. Variants that disrupt the donor or acceptor splice site typically lead to a loss of protein function (PMID: 16199547), and loss-of-function variants in XPC are known to be pathogenic (PMID: 23173980, 25256075). This variant is not present in population databases (gnomAD no frequency). This variant has not been reported in the literature in individuals affected with XPC-related conditions. ClinVar contains an entry for this variant (Variation ID: 557580). Algorithms developed to predict the effect of sequence changes on RNA splicing suggest that this variant may disrupt the consensus splice site. In summary, the currently available evidence indicates that the variant is pathogenic, but additional data are needed to prove that conclusively. Therefore, this variant has been classified as Likely Pathogenic.

Counsyl
Classification: Likely pathogenic for Xeroderma pigmentosum, group C. Last evaluated: 2018-04-02. Review status: no assertion criteria provided. Collection method: clinical testing. Allele origin: unknown. Not counted in ClinVar's aggregate classification.

Literature cited by the submitters: PubMed 16199547 (cited by Labcorp Genetics (formerly Invitae), Labcorp); PubMed 23173980 (cited by Labcorp Genetics (formerly Invitae), Labcorp); PubMed 25256075 (cited by Labcorp Genetics (formerly Invitae), Labcorp).